The following is an entry in ClinVar:

NM_003873.7(NRP1):c.1445A>G (p.Asn482Ser)

Gene: NRP1 (neuropilin 1; minus strand). Cytogenetic location: 10p11.22.
Variant type: single nucleotide variant.
Coding change: c.1445A>G on transcript NM_003873.7 (MANE Select); coding-DNA position 1445, A replaced by G.
Protein change: p.Asn482Ser; replaces asparagine 482 with serine.
Molecular consequence: missense variant. On other transcripts: non-coding transcript variant (1).
Genome position (GRCh38, 1-based): chr10:33,213,555, T>C on the plus strand (A>G on the coding strand, the complement: NRP1 is on the minus strand). VCF-style: chr10-33213555-T-C. GRCh37 (hg19) VCF-style: chr10-33502483-T-C.
Other names: c.1445A>G, p.Asn482Ser (NM_001024628.3, NM_001024629.3, NM_001244972.2 and 2 more transcripts); short protein forms N482S.
Identifiers: ClinVar variation 2559187 (VCV002559187.3), dbSNP rs1042934113, ClinGen allele CA205442889.

ClinVar aggregate classification (germline): Uncertain significance. Review status: criteria provided, single submitter (1 of 4 stars). 2 submissions from 2 submitters: Uncertain significance (1). 1 of the submissions does not count toward it. Last evaluated 2023-06-07.

Conditions:
NRP1-related disorder. Also called: NRP1-related condition.

Allele frequency attached by ClinVar (database versions not stated): gnomAD exomes below 0.00001; gnomAD 0.00001.
gnomAD v4.1: 7 of 1,613,898 alleles (0.00043%); highest among the groups gnomAD compares: Admixed American, 0.0033%; no homozygotes.

Submissions (2):

Ambry Genetics
Classification: Uncertain significance. Last evaluated: 2023-06-07. Review status: criteria provided, single submitter. Criteria: Ambry Variant Classification Scheme 2023. Collection method: clinical testing. Allele origin: germline.

PreventionGenetics, part of Exact Sciences
Classification: Uncertain significance for NRP1-related condition. Last evaluated: 2024-07-05. Review status: no assertion criteria provided. Collection method: clinical testing. Allele origin: germline. Not counted in ClinVar's aggregate classification.
Comment: The NRP1 c.1445A>G variant is predicted to result in the amino acid substitution p.Asn482Ser. To our knowledge, this variant has not been reported in the literature. This variant is reported in 0.011% of alleles in individuals of African descent in gnomAD. At this time, the clinical significance of this variant is uncertain due to the absence of conclusive functional and genetic evidence.